The following is an entry in ClinVar:

ClinVar aggregate classification (germline): Uncertain significance. Review status: criteria provided, multiple submitters, no conflicts (2 of 4 stars). 2 submissions from 2 submitters: Uncertain significance (2). Last evaluated 2026-04-24.

Conditions:
Heterotopia, periventricular, X-linked dominant (PVNH1). Also called: PERIVENTRICULAR NODULAR HETEROTOPIA 1; X-linked periventricular heterotopia; PERIVENTRICULAR NODULAR HETEROTOPIA 4; HETEROTOPIA, PERIVENTRICULAR, 1. Identifiers: Orphanet 2149, Orphanet 82004, MedGen C1848213, MONDO:0010233, OMIM 300049.
Oto-palato-digital syndrome, type II (OPD2). Also called: Otopalatodigital Syndrome Type 2 (FLNA-OPD2); FACIOPALATOOSSEOUS SYNDROME; OPD II SYNDROME; Otopalatodigital Syndrome, Type II. Identifiers: Orphanet 669, Orphanet 90652, MedGen C1844696, MONDO:0010571, OMIM 304120.
Melnick-Needles syndrome (MNS). Also called: Melnick-Needles Syndrome (FLNA-MNS); MELNICK-NEEDLES OSTEODYSPLASTY; OSTEODYSPLASTY OF MELNICK AND NEEDLES. Identifiers: Orphanet 2484, MedGen C0025237, MONDO:0010650, OMIM 309350.
Frontometaphyseal dysplasia (FMD1). Identifiers: Orphanet 1826, MedGen C0265293, MONDO:0015942.

gnomAD v4.1: 1 of 1,211,769 alleles (0.000083%); highest among the groups gnomAD compares: Non-Finnish European, 0.00011%; no homozygotes.

Submissions (2):

GeneDx
Classification: Uncertain significance. Last evaluated: 2026-04-24. Review status: criteria provided, single submitter. Criteria: GeneDx Variant Classification Process June 2021. Collection method: clinical testing. Allele origin: germline.
Comment: Not observed at significant frequency in large population cohorts (gnomAD); In silico analysis suggests that this missense variant does not alter protein structure/function; Has not been previously published as pathogenic or benign to our knowledge

Labcorp Genetics (formerly Invitae), Labcorp
Classification: Uncertain significance for Oto-palato-digital syndrome, type II; Heterotopia, periventricular, X-linked dominant; Frontometaphyseal dysplasia; Melnick-Needles syndrome. Last evaluated: 2021-12-02. Review status: criteria provided, single submitter. Criteria: Invitae Variant Classification Sherloc (09022015). Collection method: clinical testing. Allele origin: germline.
Comment: In summary, the available evidence is currently insufficient to determine the role of this variant in disease. Therefore, it has been classified as a Variant of Uncertain Significance. Advanced modeling of protein sequence and biophysical properties (such as structural, functional, and spatial information, amino acid conservation, physicochemical variation, residue mobility, and thermodynamic stability) performed at Invitae indicates that this missense variant is not expected to disrupt FLNA protein function. This variant has not been reported in the literature in individuals affected with FLNA-related conditions. This variant is not present in population databases (gnomAD no frequency). This sequence change replaces alanine, which is neutral and non-polar, with threonine, which is neutral and polar, at codon 899 of the FLNA protein (p.Ala899Thr).

NM_001110556.2(FLNA):c.2695G>A (p.Ala899Thr)

Gene: FLNA (filamin A; minus strand). Cytogenetic location: Xq28.
Variant type: single nucleotide variant.
Coding change: c.2695G>A on transcript NM_001110556.2 (MANE Select); coding-DNA position 2695, G replaced by A.
Protein change: p.Ala899Thr; replaces alanine 899 with threonine.
Molecular consequence: missense variant.
Genome position (GRCh38, 1-based): chrX:154,362,110, C>T on the plus strand (G>A on the coding strand, the complement: FLNA is on the minus strand). VCF-style: chrX-154362110-C-T. GRCh37 (hg19) VCF-style: chrX-153590478-C-T.
Other names: c.2695G>A, p.Ala899Thr (NM_001456.4); c.2695G>A (NM_001456.3); short protein forms A899T.
Identifiers: ClinVar variation 1395535 (VCV001395535.9), dbSNP rs2148114096, ClinGen allele CA415233069.